The following is an entry in ClinVar:

ClinVar aggregate classification (germline): Uncertain significance (1 of 4 stars; one submission).

Conditions:
Cardiovascular phenotype. Identifiers: MedGen CN230736.

Allele frequency attached by ClinVar (database versions not stated): gnomAD exomes below 0.00001.
gnomAD v4.1: 1 of 1,614,226 alleles (0.000062%); highest among the groups gnomAD compares: Non-Finnish European, 0.000085%; no homozygotes.

Submission:

Ambry Genetics
Classification: Uncertain significance for Cardiovascular phenotype. Last evaluated: 2022-10-14. Review status: criteria provided, single submitter. Criteria: Ambry Variant Classification Scheme 2023. Collection method: clinical testing. Allele origin: germline.
Comment: The p.E3492D variant (also known as c.10476A>C), located in coding exon 42 of the AKAP9 gene, results from an A to C substitution at nucleotide position 10476. The glutamic acid at codon 3492 is replaced by aspartic acid, an amino acid with highly similar properties. This amino acid position is conserved. In addition, this alteration is predicted to be tolerated by in silico analysis. Since supporting evidence is limited at this time, the clinical significance of this alteration remains unclear.

NM_005751.5(AKAP9):c.10476A>C (p.Glu3492Asp)

Gene: AKAP9 (A-kinase anchoring protein 9; plus strand). Cytogenetic location: 7q21.2.
Variant type: single nucleotide variant.
Coding change: c.10476A>C on transcript NM_005751.5 (MANE Select); coding-DNA position 10476, A replaced by C.
Protein change: p.Glu3492Asp; replaces glutamic acid 3492 with aspartic acid.
Molecular consequence: missense variant.
Genome position (GRCh38, 1-based): chr7:92,097,663, A>C. VCF-style: chr7-92097663-A-C. GRCh37 (hg19) VCF-style: chr7-91726977-A-C.
Other names: c.5121A>C, p.Glu1707Asp (NM_001379277.1); c.10452A>C, p.Glu3484Asp (NM_147185.3); short protein forms E1707D, E3484D, E3492D.
Identifiers: ClinVar variation 1775632 (VCV001775632.2), dbSNP rs2535302747, ClinGen allele CA368156483.